The following is an entry in ClinVar:

NM_002693.3(POLG):c.2635C>G (p.Gln879Glu)

Gene: POLG (DNA polymerase gamma, catalytic subunit; minus strand). Cytogenetic location: 15q26.1.
Variant type: single nucleotide variant.
Coding change: c.2635C>G on transcript NM_002693.3 (MANE Select); coding-DNA position 2635, C replaced by G.
Protein change: p.Gln879Glu; replaces glutamine 879 with glutamic acid.
Molecular consequence: missense variant.
Genome position (GRCh38, 1-based): chr15:89,321,224, G>C on the plus strand (C>G on the coding strand, the complement: POLG is on the minus strand). VCF-style: chr15-89321224-G-C. GRCh37 (hg19) VCF-style: chr15-89864455-G-C.
Other names: c.2635C>G, p.Gln879Glu (NM_001126131.2); short protein forms Q879E.
Identifiers: ClinVar variation 3689917 (VCV003689917.2).

ClinVar aggregate classification (germline): Uncertain significance (1 of 4 stars; one submission).

Conditions:
Progressive sclerosing poliodystrophy (MTDPS4A). Also called: ALPERS PROGRESSIVE INFANTILE POLIODYSTROPHY; NEURONAL DEGENERATION OF CHILDHOOD WITH LIVER DISEASE, PROGRESSIVE; Alpers Syndrome; ALPERS DIFFUSE DEGENERATION OF CEREBRAL GRAY MATTER WITH HEPATIC CIRRHOSIS; Alpers-Huttenlocher Syndrome; Mitochondrial DNA depletion syndrome 4A (Alpers type). Identifiers: Orphanet 726, MedGen C0205710, MONDO:0008758, OMIM 203700.

gnomAD v4.1: 2 of 1,614,002 alleles (0.00012%); highest among the groups gnomAD compares: Admixed American, 0.0033%; no homozygotes.

Submission:

Labcorp Genetics (formerly Invitae), Labcorp
Classification: Uncertain significance for Progressive sclerosing poliodystrophy. Last evaluated: 2024-11-07. Review status: criteria provided, single submitter. Criteria: Invitae Variant Classification Sherloc (09022015). Collection method: clinical testing. Allele origin: germline.
Comment: This sequence change replaces glutamine, which is neutral and polar, with glutamic acid, which is acidic and polar, at codon 879 of the POLG protein (p.Gln879Glu). This variant is not present in population databases (gnomAD no frequency). This variant has not been reported in the literature in individuals affected with POLG-related conditions. Invitae Evidence Modeling of protein sequence and biophysical properties (such as structural, functional, and spatial information, amino acid conservation, physicochemical variation, residue mobility, and thermodynamic stability) indicates that this missense variant is expected to disrupt POLG protein function with a positive predictive value of 95%. In summary, the available evidence is currently insufficient to determine the role of this variant in disease. Therefore, it has been classified as a Variant of Uncertain Significance.